The following is an entry in ClinVar:

NM_001008216.2(GALE):c.796A>C (p.Ile266Leu)

Gene: GALE (UDP-galactose-4-epimerase; minus strand). Cytogenetic location: 1p36.11.
Variant type: single nucleotide variant.
Coding change: c.796A>C on transcript NM_001008216.2 (MANE Select); coding-DNA position 796, A replaced by C.
Protein change: p.Ile266Leu; replaces isoleucine 266 with leucine.
Molecular consequence: missense variant.
Genome position (GRCh38, 1-based): chr1:23,796,586, T>G on the plus strand (A>C on the coding strand, the complement: GALE is on the minus strand). VCF-style: chr1-23796586-T-G. GRCh37 (hg19) VCF-style: chr1-24123076-T-G.
Other names: c.796A>C, p.Ile266Leu (NM_000403.4, NM_001127621.2); short protein forms I266L.
Identifiers: ClinVar variation 2577282 (VCV002577282.1), dbSNP rs758252537, ClinGen allele CA339006888.

ClinVar aggregate classification (germline): Uncertain significance (1 of 4 stars; one submission).

Submission:

Women's Health and Genetics/Laboratory Corporation of America, LabCorp
Classification: Uncertain significance. Last evaluated: 2023-07-26. Review status: criteria provided, single submitter. Criteria: LabCorp Variant Classification Summary - May 2015. Collection method: clinical testing. Allele origin: germline.
Comment: Variant summary: GALE c.796A>C (p.Ile266Leu) results in a conservative amino acid change located in the NAD(P)-binding domain (IPR016040) of the encoded protein sequence. Four of five in-silico tools predict a benign effect of the variant on protein function. 4/4 computational tools predict no significant impact on normal splicing. However, these predictions have yet to be confirmed by functional studies. The variant was absent in 251408 control chromosomes (gnomAD). The available data on variant occurrences in the general population are insufficient to allow any conclusion about variant significance. c.796A>C has been reported in the literature in one individual affected with UDPglucose-4-Epimerase Deficiency (Derks_2022). The report do not provide unequivocal conclusions about association of the variant with UDPglucose-4-Epimerase Deficiency. To our knowledge, no experimental evidence demonstrating an impact on protein function has been reported. The following publication have been ascertained in the context of this evaluation (PMID: 36056436). No submitters have cited clinical-significance assessments for this variant to ClinVar after 2014. Based on the evidence outlined above, the variant was classified as uncertain significance.

Literature cited by the submitters: PubMed 36056436.